The following is an entry in ClinVar:

NM_182914.3(SYNE2):c.14139+5G>A

Gene: SYNE2 (spectrin repeat containing nuclear envelope protein 2; plus strand). Cytogenetic location: 14q23.2.
Variant type: single nucleotide variant.
Coding change: c.14139+5G>A on transcript NM_182914.3 (MANE Select); 5 bases into the intron after coding-DNA position 14139, G replaced by A.
Molecular consequence: intron variant.
Genome position (GRCh38, 1-based): chr14:64,129,906, G>A. VCF-style: chr14-64129906-G-A. GRCh37 (hg19) VCF-style: chr14-64596624-G-A.
Other names: c.14139+5G>A (NM_015180.6).
Identifiers: ClinVar variation 283963 (VCV000283963.41), dbSNP rs374778697, ClinGen allele CA7222683.

ClinVar aggregate classification (germline): Conflicting classifications of pathogenicity. Review status: criteria provided, conflicting classifications (1 of 4 stars). 4 submissions from 4 submitters: Uncertain significance (2); Benign (1); Likely benign (1). Last evaluated 2025-09-29.

Conditions:
Emery-Dreifuss muscular dystrophy 5, autosomal dominant (EDMD5). Also called: EMERY-DREIFUSS MUSCULAR DYSTROPHY 5. Identifiers: Orphanet 261, MedGen C2751805, MONDO:0013072, OMIM 612999.

Allele frequency attached by ClinVar (database versions not stated): ExAC 0.00012; gnomAD exomes 0.00013 and 0.00027; TOPMed 0.00015; gnomAD 0.00017; ESP Exome Variant Server 0.00023.
gnomAD v4.1: 451 of 1,614,036 alleles (0.028%); highest among the groups gnomAD compares: Non-Finnish European, 0.034%; no homozygotes.

Submissions (4):

Labcorp Genetics (formerly Invitae), Labcorp
Classification: Uncertain significance for Emery-Dreifuss muscular dystrophy 5, autosomal dominant. Last evaluated: 2025-09-29. Review status: criteria provided, single submitter. Criteria: Invitae Variant Classification Sherloc (09022015). Collection method: clinical testing. Allele origin: germline.
Comment: This sequence change falls in intron 75 of the SYNE2 gene. It does not directly change the encoded amino acid sequence of the SYNE2 protein. It affects a nucleotide within the consensus splice site. This variant is present in population databases (rs374778697, gnomAD 0.02%). This variant has not been reported in the literature in individuals affected with SYNE2-related conditions. ClinVar contains an entry for this variant (Variation ID: 283963). Variants that disrupt the consensus splice site are a relatively common cause of aberrant splicing (PMID: 17576681, 9536098). Algorithms developed to predict the effect of sequence changes on RNA splicing suggest that this variant may disrupt the consensus splice site. In summary, the available evidence is currently insufficient to determine the role of this variant in disease. Therefore, it has been classified as a Variant of Uncertain Significance.

CeGaT Center for Human Genetics Tuebingen
Classification: Likely benign. Last evaluated: 2024-01-01. Review status: criteria provided, single submitter. Criteria: CeGaT Center For Human Genetics Tuebingen Variant Classification Criteria Version 2. Collection method: clinical testing. Allele origin: germline. Affected: yes. Observed: 2 variant alleles.
Comment: SYNE2: BP4, BS2

Illumina Laboratory Services, Illumina
Classification: Benign for Emery-Dreifuss muscular dystrophy 5, autosomal dominant. Last evaluated: 2018-01-13. Review status: criteria provided, single submitter. Criteria: ICSL Variant Classification Criteria 13 December 2019. Collection method: clinical testing. Allele origin: germline.
Comment: This variant was observed in the ICSL laboratory as part of a predisposition screen in an ostensibly healthy population. It had not been previously curated by ICSL or reported in the Human Gene Mutation Database (HGMD: prior to June 1st, 2018), and was therefore a candidate for classification through an automated scoring system. Utilizing variant allele frequency, disease prevalence and penetrance estimates, and inheritance mode, an automated score was calculated to assess if this variant is too frequent to cause the disease. Based on the score and internal cut-off values, a variant classified as benign is not then subjected to further curation. The score for this variant resulted in a classification of benign for this disease.

Eurofins Ntd Llc (ga)
Classification: Uncertain significance. Last evaluated: 2015-10-06. Review status: criteria provided, single submitter. Criteria: EGL Classification Definitions 2015. Collection method: clinical testing. Allele origin: germline. Observed: 1 variant allele, 1 heterozygote.

Literature cited by the submitters: PubMed 17576681 (cited by Labcorp Genetics (formerly Invitae), Labcorp); PubMed 9536098 (cited by Labcorp Genetics (formerly Invitae), Labcorp).